The following is an entry in ClinVar:

NM_001277115.2(DNAH11):c.2890G>A (p.Glu964Lys)

Gene: DNAH11 (dynein axonemal heavy chain 11; plus strand). Cytogenetic location: 7p15.3.
Variant type: single nucleotide variant.
Coding change: c.2890G>A on transcript NM_001277115.2 (MANE Select); coding-DNA position 2890, G replaced by A.
Protein change: p.Glu964Lys; replaces glutamic acid 964 with lysine.
Molecular consequence: missense variant.
Genome position (GRCh38, 1-based): chr7:21,600,009, G>A. VCF-style: chr7-21600009-G-A. GRCh37 (hg19) VCF-style: chr7-21639627-G-A.
Other names: c.2890G>A, p.Glu964Lys (NM_003777.3); short protein forms E964K.
Identifiers: ClinVar variation 1797308 (VCV001797308.2), dbSNP rs1785014554, ClinGen allele CA366944632.
Genomic context (GRCh38, chr7:21,600,009, plus strand): 5'-TTTCAAGCACAAATGATCTTGTTGCCTCCTGAGATTGTGTTTAAACCTTCCCTAGACAGA[G>A]AGGCTGGGGATGGCTTCTATGATCTTGTAGAAGAAATGTTATGCAATAGTTTTAGAATGT-3'
Protein context (NP_001264044.1, residues 954-974): EIVFKPSLDR[Glu964Lys]AGDGFYDLVE

ClinVar aggregate classification (germline): Uncertain significance (1 of 4 stars; one submission).

Conditions:
Primary ciliary dyskinesia. Also called: Ciliary dyskinesia. Identifiers: Orphanet 244, MedGen C0008780, MONDO:0016575, HP:0012265.

Submission:

Ambry Genetics
Classification: Uncertain significance for Primary ciliary dyskinesia. Last evaluated: 2022-04-21. Review status: criteria provided, single submitter. Criteria: Ambry Variant Classification Scheme 2023. Collection method: clinical testing. Allele origin: germline.
Comment: The p.E964K variant (also known as c.2890G>A), located in coding exon 15 of the DNAH11 gene, results from a G to A substitution at nucleotide position 2890. The glutamic acid at codon 964 is replaced by lysine, an amino acid with similar properties. This amino acid position is conserved. In addition, this alteration is predicted to be tolerated by in silico analysis. Since supporting evidence is limited at this time, the clinical significance of this alteration remains unclear.